The following is an entry in ClinVar:

NM_000390.4(CHM):c.1762_1765del (p.Val588fs)

Gene: CHM (CHM Rab escort protein; minus strand). Cytogenetic location: Xq21.2.
Variant type: Deletion.
Coding change: c.1762_1765del on transcript NM_000390.4 (MANE Select); coding-DNA positions 1762 to 1765, 4 bases deleted (GTCA; older notation c.1762_1765delGTCA).
Protein change: p.Val588fs; shifts the reading frame from valine 588.
Molecular consequence: frameshift variant.
Genome position (GRCh38, 1-based): chrX:85,873,057-85,873,060, TGAC deleted on the plus strand (GTCA on the coding strand, the reverse complement: CHM is on the minus strand); deleting any 4 consecutive bases within chrX:85,873,057-85,873,062 gives the same sequence; the c. name uses the placement nearest the transcript's 3' end. VCF-style (leftmost placement, unchanged base first): chrX-85873056-TTGAC-T. GRCh37 (hg19) VCF-style: chrX-85128061-TTGAC-T.
Other names: c.1318_1321del, p.Val440fs (NM_001320959.1, NM_001362517.1, NM_001362518.2 and 1 more transcripts); short protein forms V440fs, V588fs.
Identifiers: ClinVar variation 2737265 (VCV002737265.3), dbSNP rs2520014015, ClinGen allele CA2695234643.

ClinVar aggregate classification (germline): Pathogenic (1 of 4 stars; one submission).

Submission:

Labcorp Genetics (formerly Invitae), Labcorp
Classification: Pathogenic. Last evaluated: 2023-06-03. Review status: criteria provided, single submitter. Criteria: Invitae Variant Classification Sherloc (09022015). Collection method: clinical testing. Allele origin: germline.
Comment: For these reasons, this variant has been classified as Pathogenic. This variant disrupts a region of the CHM protein in which other variant(s) (p.Glu592Valfs*44) have been determined to be pathogenic (Invitae). This suggests that this is a clinically significant region of the protein, and that variants that disrupt it are likely to be disease-causing. This premature translational stop signal has been observed in individual(s) with choroideremia (PMID: 26133251). This variant is not present in population databases (gnomAD no frequency). This sequence change creates a premature translational stop signal (p.Val588Asnfs*60) in the CHM gene. While this is not anticipated to result in nonsense mediated decay, it is expected to disrupt the last 66 amino acid(s) of the CHM protein.

Literature cited by the submitters: PubMed 26133251.